The following is an entry in ClinVar:

NM_017636.4(TRPM4):c.1526T>C (p.Met509Thr)

Gene: TRPM4 (transient receptor potential cation channel subfamily M member 4; plus strand). Cytogenetic location: 19q13.33.
Variant type: single nucleotide variant.
Coding change: c.1526T>C on transcript NM_017636.4 (MANE Select); coding-DNA position 1526, T replaced by C.
Protein change: p.Met509Thr; replaces methionine 509 with threonine.
Molecular consequence: missense variant. On other transcripts: 5 prime UTR variant (1).
Genome position (GRCh38, 1-based): chr19:49,182,840, T>C. VCF-style: chr19-49182840-T-C. GRCh37 (hg19) VCF-style: chr19-49686097-T-C.
Other names: c.1526T>C, p.Met509Thr (NM_001195227.2); c.1181T>C, p.Met394Thr (NM_001321281.2); c.-28T>C (NM_001321282.2); c.1004T>C, p.Met335Thr (NM_001321283.2); c.464T>C, p.Met155Thr (NM_001321285.2); short protein forms M394T, M155T, M335T, M509T.
Identifiers: ClinVar variation 1774532 (VCV001774532.8), dbSNP rs771243272, ClinGen allele CA9569218.

ClinVar aggregate classification (germline): Uncertain significance. Review status: criteria provided, multiple submitters, no conflicts (2 of 4 stars). 2 submissions from 2 submitters: Uncertain significance (2). Last evaluated 2025-06-10.

Conditions:
Cardiovascular phenotype. Identifiers: MedGen CN230736.
Progressive familial heart block type IB (PFHB1B). Identifiers: Orphanet 871, MedGen C1970298, MONDO:0011474, OMIM 604559.

Allele frequency attached by ClinVar (database versions not stated): gnomAD 0.00001; TOPMed 0.00002; gnomAD exomes below 0.00001; ExAC 0.00001.
gnomAD v4.1: 3 of 1,612,726 alleles (0.00019%); highest among the groups gnomAD compares: African/African-American, 0.004%; no homozygotes.

Submissions (2):

Ambry Genetics
Classification: Uncertain significance for Cardiovascular phenotype. Last evaluated: 2025-06-10. Review status: criteria provided, single submitter. Criteria: Ambry Variant Classification Scheme 2023. Collection method: clinical testing. Allele origin: germline.
Comment: The p.M509T variant (also known as c.1526T>C), located in coding exon 11 of the TRPM4 gene, results from a T to C substitution at nucleotide position 1526. The methionine at codon 509 is replaced by threonine, an amino acid with similar properties. This amino acid position is poorly conserved in available vertebrate species. In addition, this alteration is predicted to be tolerated by in silico analysis. Since supporting evidence is limited at this time, the clinical significance of this alteration remains unclear.

Labcorp Genetics (formerly Invitae), Labcorp
Classification: Uncertain significance for Progressive familial heart block type IB. Last evaluated: 2024-09-29. Review status: criteria provided, single submitter. Criteria: Invitae Variant Classification Sherloc (09022015). Collection method: clinical testing. Allele origin: germline.
Comment: This sequence change replaces methionine, which is neutral and non-polar, with threonine, which is neutral and polar, at codon 509 of the TRPM4 protein (p.Met509Thr). This variant is present in population databases (rs771243272, gnomAD 0.01%). This variant has not been reported in the literature in individuals affected with TRPM4-related conditions. ClinVar contains an entry for this variant (Variation ID: 1774532). An algorithm developed to predict the effect of missense changes on protein structure and function outputs the following: PolyPhen-2: "Benign". The threonine amino acid residue is found in multiple mammalian species, which suggests that this missense change does not adversely affect protein function. In summary, the available evidence is currently insufficient to determine the role of this variant in disease. Therefore, it has been classified as a Variant of Uncertain Significance.